The following is an entry in ClinVar:

ClinVar aggregate classification (germline): Uncertain significance (1 of 4 stars; one submission).

Submission:

Labcorp Genetics (formerly Invitae), Labcorp
Classification: Uncertain significance. Last evaluated: 2025-05-14. Review status: criteria provided, single submitter. Criteria: Invitae Variant Classification Sherloc (09022015). Collection method: clinical testing. Allele origin: germline.
Comment: This sequence change affects codon 330 of the GPR45 mRNA. It is a 'silent' change, meaning that it does not change the encoded amino acid sequence of the GPR45 protein. This variant is present in population databases (no rsID available, gnomAD 0.01%). This variant has not been reported in the literature in individuals affected with GPR45-related conditions. In summary, the available evidence is currently insufficient to determine the role of this variant in disease. Therefore, it has been classified as a Variant of Uncertain Significance.

NM_007227.3(GPR45):c.990A>G (p.Lys330=)

Gene: GPR45 (G protein-coupled receptor 45; plus strand). Cytogenetic location: 2q12.1.
Variant type: single nucleotide variant.
Coding change: c.990A>G on transcript NM_007227.3 (MANE Select); coding-DNA position 990, A replaced by G.
Protein change: p.Lys330=; no amino-acid change (lysine 330 retained).
Molecular consequence: synonymous variant.
Genome position (GRCh38, 1-based): chr2:105,242,848, A>G. VCF-style: chr2-105242848-A-G. GRCh37 (hg19) VCF-style: chr2-105859305-A-G.
Identifiers: ClinVar variation 4701504 (VCV004701504.1).